The following is an entry in ClinVar:

NC_000018.9:g.77421290_77904990del483701

Genes: ADNP2 (ADNP homeobox 2; plus strand), CTDP1 (CTD phosphatase 1; plus strand), HSBP1L1 (heat shock factor binding protein 1 like 1; plus strand), KCNG2 (potassium voltage-gated channel modifier subfamily G member 2; plus strand), RBFA (ribosome binding factor A; plus strand) and 2 more. Cytogenetic location: 18q23.
Variant type: copy number loss.
Identifiers: ClinVar variation 253193 (VCV000253193.2).

ClinVar aggregate classification (germline): Pathogenic (0 of 4 stars; one submission).

Conditions:
Choanal atresia-hearing loss-cardiac defects-craniofacial dysmorphism syndrome (BMKS). Also called: Burn-McKeown Syndrome (BMKS); Burn-McKeown syndrome; Branchio oculo facial syndrome Hing type; OCULOOTOFACIAL DYSPLASIA. Identifiers: Orphanet 1200, MedGen C1837822, MONDO:0012064, OMIM 608572.

Submission:

GeneReviews
Classification: Pathogenic for Choanal atresia-hearing loss-cardiac defects-craniofacial dysmorphism syndrome. Last evaluated: 2016-03-28. Review status: no assertion criteria provided. Collection method: literature only. Allele origin: germline. Affected: yes.
Comment: Heterozygous whole-gene deletion

Literature cited by the submitters: PubMed 25434003.